The following is an entry in ClinVar:

NM_018429.3(BDP1):c.374C>T (p.Ala125Val)

Gene: BDP1 (BDP1 general transcription factor IIIB subunit; plus strand). Cytogenetic location: 5q13.2.
Variant type: single nucleotide variant.
Coding change: c.374C>T on transcript NM_018429.3 (MANE Select); coding-DNA position 374, C replaced by T.
Protein change: p.Ala125Val; replaces alanine 125 with valine.
Molecular consequence: missense variant.
Genome position (GRCh38, 1-based): chr5:71,458,740, C>T. VCF-style: chr5-71458740-C-T. GRCh37 (hg19) VCF-style: chr5-70754567-C-T.
Other names: short protein forms A125V.
Identifiers: ClinVar variation 684104 (VCV000684104.5), dbSNP rs9687593, ClinGen allele CA3295668.

ClinVar aggregate classification (germline): Benign. Review status: criteria provided, multiple submitters, no conflicts (2 of 4 stars). 3 submissions from 3 submitters: Benign (3). Last evaluated 2018-05-24.

Allele frequency attached by ClinVar (database versions not stated): gnomAD exomes 0.00119 and 0.00295; ExAC 0.00368; gnomAD 0.01271 and 0.01372; 1000 Genomes Project 0.01278; ESP Exome Variant Server 0.01357; 1000 Genomes Project 30x 0.01421; TOPMed 0.01436.
gnomAD v4.1: 3,708 of 1,614,064 alleles (0.23%); highest among the groups gnomAD compares: African/African-American, 4.4%; 82 homozygotes.

Submissions (3):

GeneDx
Classification: Benign. Last evaluated: 2018-05-24. Review status: criteria provided, single submitter. Criteria: GeneDx Variant Classification (06012015). Collection method: clinical testing. Allele origin: germline. Affected: yes.
Comment: This variant is considered likely benign or benign based on one or more of the following criteria: it is a conservative change, it occurs at a poorly conserved position in the protein, it is predicted to be benign by multiple in silico algorithms, and/or has population frequency not consistent with disease.

Labcorp Genetics (formerly Invitae), Labcorp
Classification: Benign. Last evaluated: 2018-04-04. Review status: criteria provided, single submitter. Criteria: Invitae Variant Classification Sherloc (09022015). Collection method: clinical testing. Allele origin: germline.

Breakthrough Genomics
Classification: Benign. Review status: criteria provided, single submitter. Criteria: ACMG Guidelines, 2015. Collection method: not provided. Allele origin: germline. Inheritance: Autosomal recessive inheritance. Affected: yes.